The following is an entry in ClinVar:

ClinVar aggregate classification (germline): Benign/Likely benign. Review status: criteria provided, multiple submitters, no conflicts (2 of 4 stars). 7 submissions from 7 submitters: Benign (5); Likely benign (2). Last evaluated 2026-06-28.

Conditions:
Hermansky-Pudlak syndrome 5 (HPS5). Identifiers: Orphanet 231512, Orphanet 79430, MedGen C3888004, MONDO:0013557, OMIM 614074.

Allele frequency attached by ClinVar (database versions not stated): gnomAD 0.02128 and 0.01965; ESP Exome Variant Server 0.02334; 1000 Genomes Project 30x 0.02592; gnomAD exomes 0.00504; ExAC 0.00617; 1000 Genomes Project 0.02396; TOPMed 0.02261.
gnomAD v4.1: 5,633 of 1,606,272 alleles (0.35%); highest among the groups gnomAD compares: African/African-American, 6.7%; 176 homozygotes.

Submissions (7):

Women's Health and Genetics/Laboratory Corporation of America, LabCorp
Classification: Benign. Last evaluated: 2026-06-28. Review status: criteria provided, single submitter. Criteria: LabCorp Variant Classification Summary - May 2015. Collection method: clinical testing. Allele origin: germline.

Labcorp Genetics (formerly Invitae), Labcorp
Classification: Benign. Last evaluated: 2026-02-02. Review status: criteria provided, single submitter. Criteria: Invitae Variant Classification Sherloc (09022015). Collection method: clinical testing. Allele origin: germline.

GeneDx
Classification: Benign. Last evaluated: 2020-02-03. Review status: criteria provided, single submitter. Criteria: GeneDx Variant Classification Process June 2021. Collection method: clinical testing. Allele origin: germline. Affected: yes.

Illumina Laboratory Services, Illumina
Classification: Likely benign for Hermansky-Pudlak syndrome 5. Last evaluated: 2017-04-27. Review status: criteria provided, single submitter. Criteria: ICSL Variant Classification Criteria 13 December 2019. Collection method: clinical testing. Allele origin: germline.
Comment: This variant was observed as part of a predisposition screen in an ostensibly healthy population. A literature search was performed for the gene, cDNA change, and amino acid change (where applicable). No publications were found based on this search. Allele frequency data from public databases allowed determination this variant is unlikely to cause disease. Therefore, this variant is classified as likely benign.

Laboratory for Molecular Medicine, Mass General Brigham Personalized Medicine
Classification: Benign. Last evaluated: 2013-02-21. Review status: criteria provided, single submitter. Criteria: LMM Criteria. Collection method: clinical testing. Allele origin: germline. Observed: 2 variant alleles.
Comment: 1785-13C>T in intron 14 of HPS5: This variant is not expected to have clinical s ignificance because it has been identified in 6.9% (302/4398) of African America n chromosomes from a broad population by the NHLBI Exome Sequencing Project (dbSNP rs73430857).

Breakthrough Genomics
Classification: Likely benign. Review status: criteria provided, single submitter. Criteria: ACMG Guidelines, 2015. Collection method: not provided. Allele origin: germline. Inheritance: Autosomal recessive inheritance. Affected: yes.

PreventionGenetics, part of Exact Sciences
Classification: Benign. Review status: criteria provided, single submitter. Criteria: ACMG Guidelines, 2015. Collection method: clinical testing. Allele origin: germline.

NM_181507.2(HPS5):c.1785-13C>T

Gene: HPS5 (HPS5 biogenesis of lysosomal organelles complex 2 subunit 2; minus strand). Cytogenetic location: 11p15.1.
Variant type: single nucleotide variant.
Coding change: c.1785-13C>T on transcript NM_181507.2 (MANE Select); 13 bases into the intron before coding-DNA position 1785, C replaced by T.
Molecular consequence: intron variant.
Genome position (GRCh38, 1-based): chr11:18,292,989, G>A on the plus strand (C>T on the coding strand, the complement: HPS5 is on the minus strand). VCF-style: chr11-18292989-G-A. GRCh37 (hg19) VCF-style: chr11-18314536-G-A.
Other names: c.1371-13C>T (NM_001440929.1, NM_001440928.1, NM_001440927.1); c.1443-13C>T (NM_181508.2, NM_001440921.1, NM_001440926.1 and 7 more transcripts); c.1674-13C>T (NM_001440915.1, NM_001440914.1, NM_001440913.1); c.1785-13C>T (NM_001440931.1, NM_001440917.1, NM_001440906.1 and 5 more transcripts); c.1710-13C>T (NM_001440907.1, NM_001440909.1, NM_001440908.1); c.1572-13C>T (NM_001440919.1); c.1599-13C>T (NM_001440918.1).
Identifiers: ClinVar variation 226662 (VCV000226662.21), dbSNP rs73430857, ClinGen allele CA5909994.
Genomic context (GRCh38, chr11:18,292,989, plus strand): 5'-TGGAACCTGTCTTCTTCTGGAGGTGGACTAGTTACCTCTTTTTCCTCCCTAAAAAAGTGT[G>A]CAAAATAACAATAACATTCACAAGAGTTAGAGGGGATCAGAGCTTTTTTTGAGACAGGGT-3'